The following is an entry in ClinVar:

ClinVar aggregate classification (germline): Uncertain significance (1 of 4 stars; one submission).

Conditions:
Dextro-looped transposition of the great arteries. Also called: Dextrotransposition of the great arteries. Identifiers: Orphanet 860, MedGen C3531771, MONDO:0019443, OMIM 608808, HP:0031348.

Allele frequency attached by ClinVar (database versions not stated): TOPMed 0.00001.
gnomAD v4.1: 3 of 1,610,988 alleles (0.00019%); highest among the groups gnomAD compares: East Asian, 0.0045%; no homozygotes.

Submission:

Labcorp Genetics (formerly Invitae), Labcorp
Classification: Uncertain significance for Dextro-looped transposition of the great arteries. Last evaluated: 2023-08-11. Review status: criteria provided, single submitter. Criteria: Invitae Variant Classification Sherloc (09022015). Collection method: clinical testing. Allele origin: germline.
Comment: In summary, the available evidence is currently insufficient to determine the role of this variant in disease. Therefore, it has been classified as a Variant of Uncertain Significance. Experimental studies and prediction algorithms are not available or were not evaluated, and the functional significance of this variant is currently unknown. This missense change has been observed in individual(s) with MED13L-related conditions (PMID: 30564305). This variant is present in population databases (no rsID available, gnomAD 0.01%). This sequence change replaces asparagine, which is neutral and polar, with serine, which is neutral and polar, at codon 999 of the MED13L protein (p.Asn999Ser).

Literature cited by the submitters: PubMed 30564305.

NM_015335.5(MED13L):c.2996A>G (p.Asn999Ser)

Gene: MED13L (mediator complex subunit 13L; minus strand). Cytogenetic location: 12q24.21.
Variant type: single nucleotide variant.
Coding change: c.2996A>G on transcript NM_015335.5 (MANE Select); coding-DNA position 2996, A replaced by G.
Protein change: p.Asn999Ser; replaces asparagine 999 with serine.
Molecular consequence: missense variant.
Genome position (GRCh38, 1-based): chr12:115,996,476, T>C on the plus strand (A>G on the coding strand, the complement: MED13L is on the minus strand). VCF-style: chr12-115996476-T-C. GRCh37 (hg19) VCF-style: chr12-116434281-T-C.
Other names: short protein forms N999S.
Identifiers: ClinVar variation 2757808 (VCV002757808.3), dbSNP rs1420950414, ClinGen allele CA386889514.